The following is an entry in ClinVar:

ClinVar aggregate classification (germline): Uncertain significance (1 of 4 stars; one submission).

Submission:

Ambry Genetics
Classification: Uncertain significance. Last evaluated: 2024-08-02. Review status: criteria provided, single submitter. Criteria: Ambry Variant Classification Scheme 2023. Collection method: clinical testing. Allele origin: germline.
Comment: The p.L173P variant (also known as c.518T>C), located in coding exon 2 of the GALNT12 gene, results from a T to C substitution at nucleotide position 518. The leucine at codon 173 is replaced by proline, an amino acid with similar properties. This amino acid position is conserved. In addition, this alteration is predicted to be deleterious by in silico analysis. Based on the available evidence, the clinical significance of this variant remains unclear.

NM_024642.5(GALNT12):c.518T>C (p.Leu173Pro)

Gene: GALNT12 (polypeptide N-acetylgalactosaminyltransferase 12; plus strand). Cytogenetic location: 9q22.33.
Variant type: single nucleotide variant.
Coding change: c.518T>C on transcript NM_024642.5 (MANE Select); coding-DNA position 518, T replaced by C.
Protein change: p.Leu173Pro; replaces leucine 173 with proline.
Molecular consequence: missense variant.
Genome position (GRCh38, 1-based): chr9:98,823,402, T>C. VCF-style: chr9-98823402-T-C. GRCh37 (hg19) VCF-style: chr9-101585684-T-C.
Other names: short protein forms L173P.
Identifiers: ClinVar variation 3518489 (VCV003518489.1).